The following is an entry in ClinVar:

ClinVar aggregate classification (germline): Likely benign. Review status: criteria provided, multiple submitters, no conflicts (2 of 4 stars). 5 submissions from 5 submitters: Likely benign (5). Last evaluated 2026-01-12.

Conditions:
DNMT1-related disorder. Also called: DNMT1-related condition. Identifiers: MedGen CN381527.
Hereditary sensory neuropathy-deafness-dementia syndrome. Also called: Hereditary Sensory and Autonomic Neuropathy Type 1E (HSAN1E); HSN IE; Hereditary sensory neuropathy type IE; NEUROPATHY, HEREDITARY SENSORY, WITH HEARING LOSS AND DEMENTIA. Identifiers: Orphanet 456318, MedGen C3279885, MONDO:0013584, OMIM 614116.

Allele frequency attached by ClinVar (database versions not stated): gnomAD 0.00002 and 0.00003; TOPMed 0.00003; gnomAD exomes 0.00004; ExAC 0.00006; ESP Exome Variant Server 0.00008.
gnomAD v4.1: 59 of 1,613,768 alleles (0.0037%); highest among the groups gnomAD compares: African/African-American, 0.0093%; no homozygotes.

Submissions (5):

PreventionGenetics, part of Exact Sciences
Classification: Likely benign for DNMT1-related condition. Last evaluated: 2026-01-12. Review status: criteria provided, single submitter. Criteria: ACMG Guidelines, 2015. Collection method: clinical testing. Allele origin: germline.
Comment: This variant is classified as likely benign based on ACMG/AMP sequence variant interpretation guidelines (Richards et al. 2015 PMID: 25741868, with internal and published modifications).

Labcorp Genetics (formerly Invitae), Labcorp
Classification: Likely benign for Hereditary sensory neuropathy-deafness-dementia syndrome. Last evaluated: 2024-12-16. Review status: criteria provided, single submitter. Criteria: Invitae Variant Classification Sherloc (09022015). Collection method: clinical testing. Allele origin: germline.

Mayo Clinic Laboratories, Mayo Clinic
Classification: Likely benign. Last evaluated: 2024-10-15. Review status: criteria provided, single submitter. Criteria: ACMG Guidelines, 2015. Collection method: clinical testing. Allele origin: germline. Observed: 1 variant allele.
Comment: BS2, BP4, BP7

GeneDx
Classification: Likely benign. Last evaluated: 2016-07-28. Review status: criteria provided, single submitter. Criteria: GeneDx Variant Classification (06012015). Collection method: clinical testing. Allele origin: germline. Affected: yes.
Comment: This variant is considered likely benign or benign based on one or more of the following criteria: it is a conservative change, it occurs at a poorly conserved position in the protein, it is predicted to be benign by multiple in silico algorithms, and/or has population frequency not consistent with disease.

Breakthrough Genomics
Classification: Likely benign. Review status: criteria provided, single submitter. Criteria: ACMG Guidelines, 2015. Collection method: not provided. Allele origin: germline. Inheritance: Autosomal dominant inheritance. Affected: yes.

NM_001130823.3(DNMT1):c.1832+10C>T

Gene: DNMT1 (DNA methyltransferase 1; minus strand). Cytogenetic location: 19p13.2.
Variant type: single nucleotide variant.
Coding change: c.1832+10C>T on transcript NM_001130823.3 (MANE Select); 10 bases into the intron after coding-DNA position 1832, C replaced by T.
Molecular consequence: intron variant.
Genome position (GRCh38, 1-based): chr19:10,154,576, G>A on the plus strand (C>T on the coding strand, the complement: DNMT1 is on the minus strand). VCF-style: chr19-10154576-G-A. GRCh37 (hg19) VCF-style: chr19-10265252-G-A.
Other names: p.?; c.1469+10C>T (NM_001318731.2); c.1784+10C>T (NM_001379.4, NM_001318730.2); c.1832+10C>T (LRG_362t1, NM_001130823.2).
Identifiers: ClinVar variation 388092 (VCV000388092.12), dbSNP rs371792523, ClinGen allele CA9188205.